The following is an entry in ClinVar:

ClinVar aggregate classification (germline): Uncertain significance (1 of 4 stars; one submission).

Conditions:
Hereditary cancer-predisposing syndrome. Also called: Hereditary Cancer Syndrome; Tumor predisposition; Hereditary neoplastic syndrome; Neoplastic Syndromes, Hereditary. Identifiers: Orphanet 140162, MedGen C0027672, MeSH D009386, MONDO:0015356.

Submission:

Ambry Genetics
Classification: Uncertain significance for Hereditary cancer-predisposing syndrome. Last evaluated: 2024-11-16. Review status: criteria provided, single submitter. Criteria: Ambry Variant Classification Scheme 2023. Collection method: clinical testing. Allele origin: germline.
Comment: The p.I390V variant (also known as c.1168A>G), located in coding exon 12 of the NF2 gene, results from an A to G substitution at nucleotide position 1168. The isoleucine at codon 390 is replaced by valine, an amino acid with highly similar properties. This amino acid position is conserved. In addition, the in silico prediction for this alteration is inconclusive. Based on the available evidence, the clinical significance of this variant remains unclear.

NM_000268.4(NF2):c.1168A>G (p.Ile390Val)

Gene: NF2 (NF2, moesin-ezrin-radixin like (MERLIN) tumor suppressor; plus strand). Cytogenetic location: 22q12.2.
Variant type: single nucleotide variant.
Coding change: c.1168A>G on transcript NM_000268.4 (MANE Select); coding-DNA position 1168, A replaced by G.
Protein change: p.Ile390Val; replaces isoleucine 390 with valine.
Molecular consequence: missense variant. On other transcripts: intron variant (1).
Genome position (GRCh38, 1-based): chr22:29,673,314, A>G. VCF-style: chr22-29673314-A-G. GRCh37 (hg19) VCF-style: chr22-30069303-A-G.
Other names: c.1054A>G, p.Ile352Val (NM_001407053.1, NM_001407056.1); c.1045A>G, p.Ile349Val (NM_001407054.1, NM_001407058.1, NM_181829.3); c.1042A>G, p.Ile348Val (NM_001407055.1, NM_181828.3); c.1033A>G, p.Ile345Val (NM_001407057.1, NM_001407059.1); c.1168A>G, p.Ile390Val (NM_001407060.1, NM_001407066.1, NM_016418.5 and 2 more transcripts); c.910A>G, p.Ile304Val (NM_001407062.1); c.919A>G, p.Ile307Val (NM_001407063.1, NM_001407064.1, NM_181830.3 and 1 more transcripts); c.634A>G, p.Ile212Val (NM_001407065.1); and 2 more; short protein forms I212V, I349V, I307V, I348V, I352V, I304V, I345V, I313V.
Identifiers: ClinVar variation 3404973 (VCV003404973.1).